The following is an entry in ClinVar:

ClinVar aggregate classification (germline): Uncertain significance. Review status: criteria provided, single submitter (1 of 4 stars). 2 submissions from 2 submitters: Uncertain significance (1). 1 of the submissions does not count toward it. Last evaluated 2025-06-29.

Allele frequency attached by ClinVar (database versions not stated): gnomAD exomes below 0.00001 and 0.00001; gnomAD 0.00001; TOPMed 0.00002.
gnomAD v4.1: 19 of 1,611,358 alleles (0.0012%); highest among the groups gnomAD compares: Non-Finnish European, 0.0016%; no homozygotes.

Submissions (2):

Labcorp Genetics (formerly Invitae), Labcorp
Classification: Uncertain significance. Last evaluated: 2025-06-29. Review status: criteria provided, single submitter. Criteria: Invitae Variant Classification Sherloc (09022015). Collection method: clinical testing. Allele origin: germline.
Comment: This sequence change affects an acceptor splice site in intron 11 of the TNNI3K gene. It is expected to disrupt RNA splicing. Variants that disrupt the donor or acceptor splice site typically lead to a loss of protein function (PMID: 16199547), however the current clinical and genetic evidence is not sufficient to establish whether loss-of-function variants in TNNI3K cause disease. This variant is present in population databases (no rsID available, gnomAD 0.0009%). This variant has not been reported in the literature in individuals affected with TNNI3K-related conditions. ClinVar contains an entry for this variant (Variation ID: 1049989). Algorithms developed to predict the effect of sequence changes on RNA splicing suggest that this variant may disrupt the consensus splice site. In summary, the available evidence is currently insufficient to determine the role of this variant in disease. Therefore, it has been classified as a Variant of Uncertain Significance.

Department of Pathology and Laboratory Medicine, Sinai Health System
Classification: Uncertain significance. Review status: no assertion criteria provided. Collection method: clinical testing. Allele origin: unknown. Affected: yes. Study: The Canadian Open Genetics Repository (COGR). Not counted in ClinVar's aggregate classification.
Comment: The TNNI3K c.1178-1G>A variant was not identified in the literature nor was it identified in ClinVar or LOVD 3.0. The variant was identified in dbSNP (ID: rs907936579). The variant was identified in control databases in 1 of 250162 chromosomes at a frequency of 0.000003997 (Genome Aggregation Database March 6, 2019, v2.1.1). The variant was observed in the European (non-Finnish) population in 1 of 113062 chromosomes (freq: 0.000009), but was not observed in the African, Latino, Ashkenazi Jewish, East Asian, European (Finnish), Other, or South Asian populations. The c.1178-1G>A variant is predicted to cause abnormal splicing because the nucleotide substitution occurs in the invariant region of the splice consensus sequence. In addition, 4 of 4 in silico or computational prediction software programs (SpliceSiteFinder, MaxEntScan, NNSPLICE, GeneSplicer) predict the loss of the canonical 3' splice site and the gain of a new 3' splice site 1 basepair downstream. This is predicted to result in a frameshift and loss of function, however the role of loss of function TNNI3K variants in disease is not clear. In summary, based on the above information the clinical significance of this variant cannot be determined with certainty at this time. This variant is classified as a variant of uncertain significance.

Literature cited by the submitters: PubMed 16199547 (cited by Labcorp Genetics (formerly Invitae), Labcorp).

NM_015978.3(TNNI3K):c.1178-1G>A

Genes: FPGT-TNNI3K (FPGT-TNNI3K readthrough; plus strand), TNNI3K (TNNI3 interacting kinase; plus strand). Cytogenetic location: 1p31.1.
Variant type: single nucleotide variant.
Coding change: c.1178-1G>A on transcript NM_015978.3 (MANE Select); the canonical splice acceptor site of the intron before coding-DNA position 1178, G replaced by A.
Molecular consequence: splice acceptor variant.
Genome position (GRCh38, 1-based): chr1:74,367,255, G>A. VCF-style: chr1-74367255-G-A. GRCh37 (hg19) VCF-style: chr1-74832939-G-A.
Other names: c.1481-1G>A (NM_001112808.3, NM_001199327.2).
Identifiers: ClinVar variation 1049989 (VCV001049989.7), dbSNP rs907936579, ClinGen allele CA24543072.